The following is an entry in ClinVar:

ClinVar aggregate classification (germline): Likely benign. Review status: criteria provided, multiple submitters, no conflicts (2 of 4 stars). 2 submissions from 2 submitters: Likely benign (2). Last evaluated 2026-06-01.

Conditions:
Neurodevelopmental disorder with or without hyperkinetic movements and seizures, autosomal dominant. Also called: Intellectual disability, autosomal dominant 8. Identifiers: MedGen C3280282, MONDO:0013655, OMIM 614254.

Allele frequency attached by ClinVar (database versions not stated): gnomAD 0.00002; TOPMed 0.00003; gnomAD exomes 0.00011.
gnomAD v4.1: 102 of 1,591,612 alleles (0.0064%); highest among the groups gnomAD compares: East Asian, 0.09%; no homozygotes.

Submissions (2):

CeGaT Center for Human Genetics Tuebingen
Classification: Likely benign. Last evaluated: 2026-06-01. Review status: criteria provided, single submitter. Criteria: CeGaT Center For Human Genetics Tuebingen Variant Classification Criteria Version 2. Collection method: clinical testing. Allele origin: germline. Affected: yes. Observed: 5 variant alleles.
Comment: GRIN1: BP4, BP7

Labcorp Genetics (formerly Invitae), Labcorp
Classification: Likely benign for Neurodevelopmental disorder with or without hyperkinetic movements and seizures, autosomal dominant. Last evaluated: 2024-11-07. Review status: criteria provided, single submitter. Criteria: Invitae Variant Classification Sherloc (09022015). Collection method: clinical testing. Allele origin: germline.

NM_007327.4(GRIN1):c.780C>T (p.Arg260=)

Gene: GRIN1 (glutamate ionotropic receptor NMDA type subunit 1; plus strand). Cytogenetic location: 9q34.3.
Variant type: single nucleotide variant.
Coding change: c.780C>T on transcript NM_007327.4 (MANE Select); coding-DNA position 780, C replaced by T.
Protein change: p.Arg260=; no amino-acid change (arginine 260 retained).
Molecular consequence: synonymous variant.
Genome position (GRCh38, 1-based): chr9:137,156,777, C>T. VCF-style: chr9-137156777-C-T. GRCh37 (hg19) VCF-style: chr9-140051229-C-T.
Other names: c.780C>T, p.Arg260= (NM_000832.7, NM_021569.4); c.843C>T, p.Arg281= (NM_001185090.2, NM_001185091.2).
Identifiers: ClinVar variation 374564 (VCV000374564.52), dbSNP rs3181450, ClinGen allele CA5360752.